The following is an entry in ClinVar:

ClinVar aggregate classification (germline): Uncertain significance (1 of 4 stars; one submission).

Conditions:
Combined immunodeficiency due to MALT1 deficiency. Also called: Immunodeficiency 12. Identifiers: Orphanet 397964, MedGen C3809583, MONDO:0014197, OMIM 615468.

Allele frequency attached by ClinVar (database versions not stated): gnomAD exomes below 0.00001.
gnomAD v4.1: 1 of 1,611,288 alleles (0.000062%); highest among the groups gnomAD compares: South Asian, 0.0011%; no homozygotes.

Submission:

Labcorp Genetics (formerly Invitae), Labcorp
Classification: Uncertain significance for Combined immunodeficiency due to MALT1 deficiency. Last evaluated: 2024-02-17. Review status: criteria provided, single submitter. Criteria: Invitae Variant Classification Sherloc (09022015). Collection method: clinical testing. Allele origin: germline.
Comment: This sequence change falls in intron 2 of the MALT1 gene. It does not directly change the encoded amino acid sequence of the MALT1 protein. It affects a nucleotide within the consensus splice site. This variant is present in population databases (no rsID available, gnomAD 0.003%). This variant has not been reported in the literature in individuals affected with MALT1-related conditions. ClinVar contains an entry for this variant (Variation ID: 1408683). Variants that disrupt the consensus splice site are a relatively common cause of aberrant splicing (PMID: 17576681, 9536098). Algorithms developed to predict the effect of sequence changes on RNA splicing suggest that this variant may disrupt the consensus splice site. In summary, the available evidence is currently insufficient to determine the role of this variant in disease. Therefore, it has been classified as a Variant of Uncertain Significance.

Literature cited by the submitters: PubMed 17576681; PubMed 9536098.

NM_006785.4(MALT1):c.376+5G>A

Gene: MALT1 (MALT1 paracaspase; plus strand). Cytogenetic location: 18q21.32.
Variant type: single nucleotide variant.
Coding change: c.376+5G>A on transcript NM_006785.4 (MANE Select); 5 bases into the intron after coding-DNA position 376, G replaced by A.
Molecular consequence: intron variant.
Genome position (GRCh38, 1-based): chr18:58,681,341, G>A. VCF-style: chr18-58681341-G-A. GRCh37 (hg19) VCF-style: chr18-56348573-G-A.
Other names: c.376+5G>A (NM_173844.3).
Identifiers: ClinVar variation 1408683 (VCV001408683.6), dbSNP rs1052913408, ClinGen allele CA300937391.